The following is an entry in ClinVar:

ClinVar aggregate classification (germline): Uncertain significance. Review status: criteria provided, multiple submitters, no conflicts (2 of 4 stars). 2 submissions from 2 submitters: Uncertain significance (2). Last evaluated 2021-09-02.

Conditions:
Hereditary cancer-predisposing syndrome. Also called: Tumor predisposition; Hereditary neoplastic syndrome; Neoplastic Syndromes, Hereditary; Hereditary Cancer Syndrome. Identifiers: Orphanet 140162, MedGen C0027672, MeSH D009386, MONDO:0015356.
Familial adenomatous polyposis 1 (FAP1). Also called: FAMILIAL ADENOMATOUS POLYPOSIS 1, ATTENUATED; POLYPOSIS, ADENOMATOUS INTESTINAL. Identifiers: MedGen C2713442, MONDO:0021056, OMIM 175100. Disease mechanism: loss of function.

Submissions (2):

Labcorp Genetics (formerly Invitae), Labcorp
Classification: Uncertain significance for Familial adenomatous polyposis 1. Last evaluated: 2021-09-02. Review status: criteria provided, single submitter. Criteria: Invitae Variant Classification Sherloc (09022015). Collection method: clinical testing. Allele origin: germline.
Comment: Algorithms developed to predict the effect of missense changes on protein structure and function output the following: SIFT: "Tolerated"; PolyPhen-2: "Benign"; Align-GVGD: "Class C0". The valine amino acid residue is found in multiple mammalian species, which suggests that this missense change does not adversely affect protein function. Algorithms developed to predict the effect of sequence changes on RNA splicing suggest that this variant may create or strengthen a splice site. In summary, the available evidence is currently insufficient to determine the role of this variant in disease. Therefore, it has been classified as a Variant of Uncertain Significance. This variant has not been reported in the literature in individuals affected with APC-related conditions. This sequence change replaces isoleucine with valine at codon 1287 of the APC protein (p.Ile1287Val). The isoleucine residue is highly conserved and there is a small physicochemical difference between isoleucine and valine. This variant is not present in population databases (ExAC no frequency).

Ambry Genetics
Classification: Uncertain significance for Hereditary cancer-predisposing syndrome. Last evaluated: 2020-12-18. Review status: criteria provided, single submitter. Criteria: Ambry Variant Classification Scheme 2023. Collection method: clinical testing. Allele origin: germline.
Comment: The p.I1287V variant (also known as c.3859A>G), located in coding exon 15 of the APC gene, results from an A to G substitution at nucleotide position 3859. The isoleucine at codon 1287 is replaced by valine, an amino acid with highly similar properties. This amino acid position is not well conserved in available vertebrate species. In addition, in silico predictors for this gene do not accurately predict pathogenicity. Since supporting evidence is limited at this time, the clinical significance of this alteration remains unclear.

NM_000038.6(APC):c.3859A>G (p.Ile1287Val)

Gene: APC (APC regulator of Wnt signaling pathway; plus strand). Cytogenetic location: 5q22.2.
Variant type: single nucleotide variant.
Coding change: c.3859A>G on transcript NM_000038.6 (MANE Select); coding-DNA position 3859, A replaced by G.
Protein change: p.Ile1287Val; replaces isoleucine 1287 with valine.
Molecular consequence: missense variant.
Genome position (GRCh38, 1-based): chr5:112,839,453, A>G. VCF-style: chr5-112839453-A-G. GRCh37 (hg19) VCF-style: chr5-112175150-A-G.
Other names: c.3859A>G, p.Ile1287Val (NM_001127510.3, NM_001354895.2); c.3805A>G, p.Ile1269Val (NM_001127511.3); c.3913A>G, p.Ile1305Val (NM_001354896.2); c.3889A>G, p.Ile1297Val (NM_001354897.2); c.3784A>G, p.Ile1262Val (NM_001354898.2); c.3775A>G, p.Ile1259Val (NM_001354899.2); c.3736A>G, p.Ile1246Val (NM_001354900.2); c.3682A>G, p.Ile1228Val (NM_001354901.2); and 5 more; short protein forms I1127V, I1262V, I1004V, I1269V, I1287V, I1297V, I1161V, I1196V.
Identifiers: ClinVar variation 1362085 (VCV001362085.8), dbSNP rs2149900637, ClinGen allele CA16029800.